The following is an entry in ClinVar:

NM_001349338.3(FOXP1):c.1488A>T (p.Thr496=)

Genes: FOXP1 (forkhead box P1; minus strand), LOC126806714 (BRD4-independent group 4 enhancer GRCh37_chr3:71025197-71026396; plus strand). Cytogenetic location: 3p13.
Variant type: single nucleotide variant.
Coding change: c.1488A>T on transcript NM_001349338.3 (MANE Select); coding-DNA position 1488, A replaced by T.
Protein change: p.Thr496=; no amino-acid change (threonine 496 retained).
Molecular consequence: synonymous variant. On other transcripts: non-coding transcript variant (2).
Genome position (GRCh38, 1-based): chr3:70,976,983, T>A on the plus strand (A>T on the coding strand, the complement: FOXP1 is on the minus strand). VCF-style: chr3-70976983-T-A. GRCh37 (hg19) VCF-style: chr3-71026134-T-A.
Other names: c.1485A>T, p.Thr495= (NM_001244808.3, NM_001349341.3); c.1488A>T, p.Thr496= (NM_001244810.2, NM_001244814.3, NM_001244816.2 and 3 more transcripts); c.1260A>T, p.Thr420= (NM_001244812.3); c.1188A>T, p.Thr396= (NM_001244813.3, NM_001244815.2, NM_001349342.3); c.1185A>T, p.Thr395= (NM_001349337.2, NM_001349343.3, NM_001349344.3 and 1 more transcripts).
Identifiers: ClinVar variation 3051678 (VCV003051678.2), dbSNP rs2545109950, ClinGen allele CA434167345.

ClinVar aggregate classification (germline): Likely benign (0 of 4 stars; one submission).

Conditions:
FOXP1-related disorder. Also called: FOXP1-related condition.

Allele frequency attached by ClinVar (database versions not stated): gnomAD exomes below 0.00001.
gnomAD v4.1: 5 of 1,614,206 alleles (0.00031%); highest among the groups gnomAD compares: South Asian, 0.0055%; no homozygotes.

Submission:

PreventionGenetics, part of Exact Sciences
Classification: Likely benign for FOXP1-related condition. Last evaluated: 2023-07-20. Review status: no assertion criteria provided. Collection method: clinical testing. Allele origin: germline.
Comment: This variant is classified as likely benign based on ACMG/AMP sequence variant interpretation guidelines (Richards et al. 2015 PMID: 25741868, with internal and published modifications).